The following is an entry in ClinVar:

ClinVar aggregate classification (germline): Uncertain significance. Review status: criteria provided, multiple submitters, no conflicts (2 of 4 stars). 3 submissions from 3 submitters: Uncertain significance (3). Last evaluated 2026-04-01.

Conditions:
Cataract 18 (CATC2). Also called: CATARACT 18, AUTOSOMAL RECESSIVE. Identifiers: Orphanet 91492, Orphanet 98991, Orphanet 98992, Orphanet 98995, MedGen C1864908, MONDO:0012395, OMIM 610019.

Allele frequency attached by ClinVar (database versions not stated): TOPMed below 0.00001; ExAC 0.00001; gnomAD exomes 0.00001.
gnomAD v4.1: 25 of 1,611,030 alleles (0.0016%); highest among the groups gnomAD compares: Middle Eastern, 0.016%; no homozygotes.

Submissions (3):

CeGaT Center for Human Genetics Tuebingen
Classification: Uncertain significance. Last evaluated: 2026-04-01. Review status: criteria provided, single submitter. Criteria: CeGaT Center For Human Genetics Tuebingen Variant Classification Criteria Version 2. Collection method: clinical testing. Allele origin: germline. Affected: yes. Observed: 1 variant allele.
Comment: FYCO1: PM2:Supporting, BP4

Blueprint Genetics
Classification: Uncertain significance. Last evaluated: 2024-03-25. Review status: criteria provided, single submitter. Criteria: ACMG Guidelines, 2015. Collection method: clinical testing. Allele origin: germline.

Illumina Laboratory Services, Illumina
Classification: Uncertain significance for Cataract 18. Last evaluated: 2018-01-13. Review status: criteria provided, single submitter. Criteria: ICSL Variant Classification Criteria 13 December 2019. Collection method: clinical testing. Allele origin: germline.

NM_024513.4(FYCO1):c.2507C>A (p.Ala836Asp)

Gene: FYCO1 (FYVE and coiled-coil domain autophagy adaptor 1; minus strand). Cytogenetic location: 3p21.31.
Variant type: single nucleotide variant.
Coding change: c.2507C>A on transcript NM_024513.4 (MANE Select); coding-DNA position 2507, C replaced by A.
Protein change: p.Ala836Asp; replaces alanine 836 with aspartic acid.
Molecular consequence: missense variant.
Genome position (GRCh38, 1-based): chr3:45,966,827, G>T on the plus strand (C>A on the coding strand, the complement: FYCO1 is on the minus strand). VCF-style: chr3-45966827-G-T. GRCh37 (hg19) VCF-style: chr3-46008319-G-T.
Other names: short protein forms A836D.
Identifiers: ClinVar variation 901885 (VCV000901885.7), dbSNP rs766825040, ClinGen allele CA2353037.